The following is an entry in ClinVar:

NM_014112.5(TRPS1):c.3518A>G (p.Asn1173Ser)

Gene: TRPS1 (transcriptional repressor GATA binding 1; minus strand). Cytogenetic location: 8q23.3.
Variant type: single nucleotide variant.
Coding change: c.3518A>G on transcript NM_014112.5 (MANE Select); coding-DNA position 3518, A replaced by G.
Protein change: p.Asn1173Ser; replaces asparagine 1173 with serine.
Molecular consequence: missense variant.
Genome position (GRCh38, 1-based): chr8:115,414,390, T>C on the plus strand (A>G on the coding strand, the complement: TRPS1 is on the minus strand). VCF-style: chr8-115414390-T-C. GRCh37 (hg19) VCF-style: chr8-116426618-T-C.
Other names: c.3491A>G, p.Asn1164Ser (NM_001282902.3); c.3497A>G, p.Asn1166Ser (NM_001282903.3); c.3479A>G, p.Asn1160Ser (NM_001330599.2); short protein forms N1166S, N1164S, N1173S, N1160S.
Identifiers: ClinVar variation 1915737 (VCV001915737.5), dbSNP rs1308994822, ClinGen allele CA372062582.

ClinVar aggregate classification (germline): Uncertain significance (1 of 4 stars; one submission).

Conditions:
Trichorhinophalangeal syndrome, type III (TRPS3). Also called: SUGIO-KAJII SYNDROME. Identifiers: Orphanet 77258, MedGen C1860823, OMIM 190351, MONDO:0008597.
Trichorhinophalangeal dysplasia type I (TRPS1). Also called: TRICHORHINOPHALANGEAL SYNDROME, TYPE I; TRPS I. Identifiers: Orphanet 77258, MedGen C0432233, MONDO:0008596, OMIM 190350.

Allele frequency attached by ClinVar (database versions not stated): gnomAD exomes below 0.00001.
gnomAD v4.1: 2 of 1,613,996 alleles (0.00012%); highest among the groups gnomAD compares: East Asian, 0.0022%; no homozygotes.

Submission:

Labcorp Genetics (formerly Invitae), Labcorp
Classification: Uncertain significance for Trichorhinophalangeal syndrome, type III; Trichorhinophalangeal dysplasia type I. Last evaluated: 2022-08-21. Review status: criteria provided, single submitter. Criteria: Invitae Variant Classification Sherloc (09022015). Collection method: clinical testing. Allele origin: germline.
Comment: In summary, the available evidence is currently insufficient to determine the role of this variant in disease. Therefore, it has been classified as a Variant of Uncertain Significance. Algorithms developed to predict the effect of missense changes on protein structure and function are either unavailable or do not agree on the potential impact of this missense change (SIFT: "Deleterious"; PolyPhen-2: "Probably Damaging"; Align-GVGD: "Class C0"). This variant has not been reported in the literature in individuals affected with TRPS1-related conditions. This variant is present in population databases (no rsID available, gnomAD 0.006%). This sequence change replaces asparagine, which is neutral and polar, with serine, which is neutral and polar, at codon 1173 of the TRPS1 protein (p.Asn1173Ser).